The following is an entry in ClinVar:

ClinVar aggregate classification (germline): Uncertain significance (1 of 4 stars; one submission).

Conditions:
Leber congenital amaurosis 4 (LCA4). Identifiers: MedGen C1858386, MONDO:0011458, OMIM 604393.

gnomAD v4.1: 2 of 1,613,808 alleles (0.00012%); highest among the groups gnomAD compares: Non-Finnish European, 0.00017%; no homozygotes.

Submission:

Labcorp Genetics (formerly Invitae), Labcorp
Classification: Uncertain significance for Leber congenital amaurosis 4. Last evaluated: 2022-05-16. Review status: criteria provided, single submitter. Criteria: Invitae Variant Classification Sherloc (09022015). Collection method: clinical testing. Allele origin: germline.
Comment: This sequence change replaces methionine, which is neutral and non-polar, with lysine, which is basic and polar, at codon 40 of the AIPL1 protein (p.Met40Lys). This variant is not present in population databases (gnomAD no frequency). This missense change has been observed in individual(s) with clinical features of retinitis pigmentosa (Invitae). In at least one individual the data is consistent with being in trans (on the opposite chromosome) from a pathogenic variant. ClinVar contains an entry for this variant (Variation ID: 1019070). Algorithms developed to predict the effect of missense changes on protein structure and function (SIFT, PolyPhen-2, Align-GVGD) all suggest that this variant is likely to be tolerated. Algorithms developed to predict the effect of sequence changes on RNA splicing suggest that this variant may disrupt the consensus splice site. In summary, the available evidence is currently insufficient to determine the role of this variant in disease. Therefore, it has been classified as a Variant of Uncertain Significance.

NM_014336.5(AIPL1):c.119T>A (p.Met40Lys)

Gene: AIPL1 (AIP like 1 HSP90 co-chaperone; minus strand). Cytogenetic location: 17p13.2.
Variant type: single nucleotide variant.
Coding change: c.119T>A on transcript NM_014336.5 (MANE Select); coding-DNA position 119, T replaced by A.
Protein change: p.Met40Lys; replaces methionine 40 with lysine.
Molecular consequence: missense variant. On other transcripts: initiator codon variant (1), intron variant (3).
Genome position (GRCh38, 1-based): chr17:6,434,076, A>T on the plus strand (T>A on the coding strand, the complement: AIPL1 is on the minus strand). VCF-style: chr17-6434076-A-T. GRCh37 (hg19) VCF-style: chr17-6337396-A-T.
Other names: c.119T>A, p.Met40Lys (NM_001033054.3, NM_001285401.3, NM_001285403.4); c.2T>A, p.Met1Lys (NM_001285402.2); c.96+933T>A (NM_001033055.3); c.97-44T>A (NM_001285400.3); c.97-14T>A (NM_001285399.3); short protein forms M1K, M40K.
Identifiers: ClinVar variation 1019070 (VCV001019070.6), dbSNP rs1912918119, ClinGen allele CA397397678.
Genomic context (GRCh38, chr17:6,434,076, plus strand): 5'-TGCATGGGCTGGCCCACCTGCCGACTGTCGTCAATGACTGTCCGCTCCTCATCACATTTC[A>T]TGGTGCGGAAATGAAAGATCACCTAGTCACCGAGACGGTGCACTCTGCTCTAGACACACT-3'
Protein context (NP_055151.3, residues 30-50): GSRVIFHFRT[Met40Lys]KCDEERTVID